The following is an entry in ClinVar:

NM_033118.4(MYLK2):c.422G>A (p.Arg141Lys)

Gene: MYLK2 (myosin light chain kinase 2; plus strand). Cytogenetic location: 20q11.21.
Variant type: single nucleotide variant.
Coding change: c.422G>A on transcript NM_033118.4 (MANE Select); coding-DNA position 422, G replaced by A.
Protein change: p.Arg141Lys; replaces arginine 141 with lysine.
Molecular consequence: missense variant.
Genome position (GRCh38, 1-based): chr20:31,820,495, G>A. VCF-style: chr20-31820495-G-A. GRCh37 (hg19) VCF-style: chr20-30408298-G-A.
Other names: short protein forms R141K.
Identifiers: ClinVar variation 3228199 (VCV003228199.2), dbSNP rs544523496, ClinGen allele CA9802917.
Genomic context (GRCh38, chr20:31,820,495, plus strand): 5'-AGGATCCTGGAAAGCCCAGGGTGGGCAAGAAGGCAGCAGAGGGCCAAGCAGCAGCCAGGA[G>A]GGGCTCACCTGCCTTTCTGCATAGCCCCAGCTGTCCTGCCATCATCTCCAGGTGAATATC-3'
Protein context (NP_149109.1, residues 131-151): KAAEGQAAAR[Arg141Lys]GSPAFLHSPS

ClinVar aggregate classification (germline): Uncertain significance. Review status: criteria provided, multiple submitters, no conflicts (2 of 4 stars). 2 submissions from 2 submitters: Uncertain significance (2). Last evaluated 2025-04-29.

Allele frequency attached by ClinVar (database versions not stated): gnomAD 0.00001; gnomAD exomes 0.00001; ExAC 0.00004; 1000 Genomes Project 0.00020; 1000 Genomes Project 30x 0.00031.

Submissions (2):

GeneDx
Classification: Uncertain significance. Last evaluated: 2025-04-29. Review status: criteria provided, single submitter. Criteria: GeneDx Variant Classification Process June 2021. Collection method: clinical testing. Allele origin: germline. Affected: yes.
Comment: In silico analysis indicates that this missense variant does not alter protein structure/function; Has not been previously published as pathogenic or benign to our knowledge

Ambry Genetics
Classification: Uncertain significance. Last evaluated: 2023-12-30. Review status: criteria provided, single submitter. Criteria: Ambry Variant Classification Scheme 2023. Collection method: clinical testing. Allele origin: germline.
Comment: The p.R141K variant (also known as c.422G>A), located in coding exon 2 of the MYLK2 gene, results from a G to A substitution at nucleotide position 422. The arginine at codon 141 is replaced by lysine, an amino acid with highly similar properties. This amino acid position is conserved. In addition, this alteration is predicted to be tolerated by in silico analysis. Since supporting evidence is limited at this time, the clinical significance of this alteration remains unclear.